The following is an entry in ClinVar:

NM_000256.3(MYBPC3):c.3052G>C (p.Glu1018Gln)

Gene: MYBPC3 (myosin binding protein C3; minus strand). Cytogenetic location: 11p11.2.
Variant type: single nucleotide variant.
Coding change: c.3052G>C on transcript NM_000256.3 (MANE Select); coding-DNA position 3052, G replaced by C.
Protein change: p.Glu1018Gln; replaces glutamic acid 1018 with glutamine.
Molecular consequence: missense variant.
Genome position (GRCh38, 1-based): chr11:47,333,695, C>G on the plus strand (G>C on the coding strand, the complement: MYBPC3 is on the minus strand). VCF-style: chr11-47333695-C-G. GRCh37 (hg19) VCF-style: chr11-47355246-C-G.
Other names: short protein forms E1018Q.
Identifiers: ClinVar variation 504532 (VCV000504532.20), dbSNP rs372003333, ClinGen allele CA079101.

ClinVar aggregate classification (germline): Uncertain significance. Review status: criteria provided, multiple submitters, no conflicts (2 of 4 stars). 7 submissions from 7 submitters: Uncertain significance (7). Last evaluated 2024-09-23.

Conditions:
Cardiovascular phenotype. Identifiers: MedGen CN230736.
Hypertrophic cardiomyopathy. Also called: HYPERTROPHIC MYOCARDIOPATHY. Identifiers: Orphanet 217569, MedGen C0007194, MeSH D002312, MONDO:0005045, HP:0001639.
Cardiomyopathy (CMYO). Also called: Cardiomyopathies. Identifiers: Orphanet 167848, MedGen C0878544, MONDO:0004994, HP:0001638. Inheritance: Various modes of inheritance.

Allele frequency attached by ClinVar (database versions not stated): ExAC 0.00002; TOPMed 0.00003; gnomAD exomes 0.00004 and 0.00006; ESP Exome Variant Server 0.00008; 1000 Genomes Project 30x 0.00016; 1000 Genomes Project 0.00020.
gnomAD v4.1: 88 of 1,610,736 alleles (0.0055%); highest among the groups gnomAD compares: Non-Finnish European, 0.007%; no homozygotes.

Submissions (7):

All of Us Research Program, National Institutes of Health
Classification: Uncertain significance for Hypertrophic cardiomyopathy. Last evaluated: 2024-09-23. Review status: criteria provided, single submitter. Criteria: ACMG Guidelines, 2015. Collection method: clinical testing. Allele origin: germline. Inheritance: Autosomal dominant inheritance. Observed: 15 variant alleles, 15 heterozygotes.
Comment: This missense variant replaces glutamic acid with glutamine at codon 1018 of the MYBPC3 protein. Computational prediction suggests that this variant may not impact protein structure and function (internally defined REVEL score threshold <= 0.5, PMID: 27666373). Splice site prediction tools are inconclusive regarding the impact of this variant on RNA splicing. To our knowledge, functional studies have not been reported for this variant. This variant has not been reported in individuals affected with MYBPC3-related disorders in the literature. This variant has been identified in 9/246384 chromosomes in the general population by the Genome Aggregation Database (gnomAD). The available evidence is insufficient to determine the role of this variant in disease conclusively. Therefore, this variant is classified as a Variant of Uncertain Significance.

This study involves interpretation of variants in research participants for the purpose of population health screening. Participant phenotype was not available at the time of variant classification. Additional details can be found in publication PMID: 35346344, PMCID: PMC8962531

Color Diagnostics, LLC DBA Color Health
Classification: Uncertain significance for Cardiomyopathy. Last evaluated: 2024-04-26. Review status: criteria provided, single submitter. Criteria: ACMG Guidelines, 2015. Collection method: clinical testing. Allele origin: germline.
Comment: This missense variant replaces glutamic acid with glutamine at codon 1018 of the MYBPC3 protein. Computational prediction tools indicate that this variant has a neutral impact on protein structure and function. To our knowledge, functional studies have not been reported for this variant. This variant has not been reported in individuals affected with MYBPC3-related disorders in the literature. This variant has been identified in 9/246384 chromosomes in the general population by the Genome Aggregation Database (gnomAD). The available evidence is insufficient to determine the role of this variant in disease conclusively. Therefore, this variant is classified as a Variant of Uncertain Significance.

Ambry Genetics
Classification: Uncertain significance for Cardiovascular phenotype. Last evaluated: 2024-02-26. Review status: criteria provided, single submitter. Criteria: Ambry Variant Classification Scheme 2023. Collection method: clinical testing. Allele origin: germline.
Comment: The p.E1018Q variant (also known as c.3052G>C), located in coding exon 29 of the MYBPC3 gene, results from a G to C substitution at nucleotide position 3052. The glutamic acid at codon 1018 is replaced by glutamine, an amino acid with highly similar properties. This alteration has been reported in a population-based longitudinal study in an individual without overt cardiomyopathy (Bick AG et al. Am. J. Hum. Genet. 2012;91:513-9). This amino acid position is well conserved in available vertebrate species. In addition, this alteration is predicted to be tolerated by in silico analysis. Since supporting evidence is limited at this time, the clinical significance of this alteration remains unclear.

Blueprint Genetics
Classification: Uncertain significance. Last evaluated: 2024-02-19. Review status: criteria provided, single submitter. Criteria: ACMG Guidelines, 2015. Collection method: clinical testing. Allele origin: germline.

Labcorp Genetics (formerly Invitae), Labcorp
Classification: Uncertain significance for Hypertrophic cardiomyopathy. Last evaluated: 2023-12-30. Review status: criteria provided, single submitter. Criteria: Invitae Variant Classification Sherloc (09022015). Collection method: clinical testing. Allele origin: germline.
Comment: This sequence change replaces glutamic acid, which is acidic and polar, with glutamine, which is neutral and polar, at codon 1018 of the MYBPC3 protein (p.Glu1018Gln). This variant is present in population databases (rs372003333, gnomAD 0.01%). This variant has not been reported in the literature in individuals affected with MYBPC3-related conditions. ClinVar contains an entry for this variant (Variation ID: 504532). An algorithm developed to predict the effect of missense changes on protein structure and function (PolyPhen-2) suggests that this variant¬†is likely to be tolerated. In summary, the available evidence is currently insufficient to determine the role of this variant in disease. Therefore, it has been classified as a Variant of Uncertain Significance.

GeneDx
Classification: Uncertain significance. Last evaluated: 2023-09-15. Review status: criteria provided, single submitter. Criteria: GeneDx Variant Classification Process June 2021. Collection method: clinical testing. Allele origin: germline. Affected: yes.
Comment: Has not been previously published as pathogenic or benign to our knowledge; In silico analysis supports that this missense variant does not alter protein structure/function; In silico analysis suggests this variant may impact gene splicing. In the absence of RNA/functional studies, the actual effect of this sequence change is unknown.

Laboratory for Molecular Medicine, Mass General Brigham Personalized Medicine
Classification: Uncertain significance. Last evaluated: 2016-08-22. Review status: criteria provided, single submitter. Criteria: LMM Criteria. Collection method: clinical testing. Allele origin: germline. Observed: 1 variant allele.
Comment: Variant classified as Uncertain Significance - Favor Benign. The p.Glu1018Gln va riant in MYBPC3 has not been previously reported in individuals with HCM, but ha s been identified in 1/9572 African chromosomes by the Exome Aggregation Consort ium (ExAC; dbSNP rs372003333). Glutamic acid (Gl u) at position 1018 is not conserved in mammals or evolutionarily distant specie s and the change to glutamine (Gln) was predicted to be benign using a computati onal tool clinically validated by our laboratory. This tool's benign prediction is estimated to be correct 89% of the time (Jordan 2011). In summary, while the clinical significance of the p.Glu1018Gln variant is uncertain, these data sugge st that it is more likely to be benign.

Literature cited by the submitters: PubMed 22958901 (cited by Ambry Genetics).